The following is an entry in ClinVar:

ClinVar aggregate classification (germline): Uncertain significance (1 of 4 stars; one submission).

Conditions:
Wilson disease (WND). Also called: Wilson's disease. Identifiers: Orphanet 905, MedGen C0019202, MONDO:0010200, OMIM 277900. Disease mechanism: loss of function.

Submission:

All of Us Research Program, National Institutes of Health
Classification: Uncertain significance for Wilson disease. Last evaluated: 2024-08-23. Review status: criteria provided, single submitter. Criteria: ACMG Guidelines, 2015. Collection method: clinical testing. Allele origin: germline. Inheritance: Autosomal recessive inheritance. Observed: 1 variant allele, 1 heterozygote.
Comment: This missense variant replaces aspartic acid with valine at codon 1138 of the ATP7B protein. Computational prediction suggests that this variant may not impact protein structure and function (internally defined REVEL score threshold <= 0.5, PMID: 27666373). To our knowledge, functional studies have not been reported for this variant. This variant has not been reported in individuals affected with ATP7B-related disorders in the literature. This variant has been identified in 1/249586 chromosomes in the general population by the Genome Aggregation Database (gnomAD). The available evidence is insufficient to determine the role of this variant in disease conclusively. Therefore, this variant is classified as a Variant of Uncertain Significance.

This study involves interpretation of variants in research participants for the purpose of population health screening. Participant phenotype was not available at the time of variant classification. Additional details can be found in publication PMID: 35346344, PMCID: PMC8962531

NM_000053.4(ATP7B):c.3413A>T (p.Asp1138Val)

Gene: ATP7B (ATPase copper transporting beta; minus strand). Cytogenetic location: 13q14.3.
Variant type: single nucleotide variant.
Coding change: c.3413A>T on transcript NM_000053.4 (MANE Select); coding-DNA position 3413, A replaced by T.
Protein change: p.Asp1138Val; replaces aspartic acid 1138 with valine.
Molecular consequence: missense variant. On other transcripts: intron variant (2).
Genome position (GRCh38, 1-based): chr13:51,941,224, T>A on the plus strand (A>T on the coding strand, the complement: ATP7B is on the minus strand). VCF-style: chr13-51941224-T-A. GRCh37 (hg19) VCF-style: chr13-52515360-T-A.
Other names: c.3074A>T, p.Asp1025Val (NM_001406537.1); c.2984A>T, p.Asp995Val (NM_001406539.1); c.2966A>T, p.Asp989Val (NM_001406540.1); c.2927A>T, p.Asp976Val (NM_001406541.1, NM_001406542.1); c.2831A>T, p.Asp944Val (NM_001406544.1); c.2765A>T, p.Asp922Val (NM_001406545.1); c.2732A>T, p.Asp911Val (NM_001406546.1); c.2570A>T, p.Asp857Val (NM_001406547.1); and 20 more; short protein forms D1025V, D1027V, D1028V, D1042V, D1054V, D1058V, D1060V, D1073V.
Identifiers: ClinVar variation 3387490 (VCV003387490.1).
Genomic context (GRCh38, chr13:51,941,224, plus strand): 5'-CCGTTGCGCCTCAGCCACTCACGGTTTCCAATCAGCACAGAGAAGGTCTGGGGGACTGCA[T>A]CTATTCAAAAGAGGCTGTGGTTATTTCTAAATGGTCCAATTTCACTGTGAACTAAAAACC-3'
Protein context (NP_000044.2, residues 1128-1148): NEAGSLPAEK[Asp1138Val]AVPQTFSVLI